The following is an entry in ClinVar:

ClinVar aggregate classification (germline): Uncertain significance. Review status: no assertion criteria provided (0 of 4 stars). 2 submissions from 2 submitters: Uncertain significance (1). 1 of the submissions does not count toward it. Last evaluated 2017-12-27.

Conditions:
Xeroderma pigmentosum, group C (XPC). Also called: XPC-Related Xeroderma Pigmentosum; Xeroderma pigmentosum, complementation group C; XERODERMA PIGMENTOSUM III; XP, GROUP C. Identifiers: Orphanet 910, MedGen C2752147, MONDO:0010211, OMIM 278720.

Allele frequency attached by ClinVar (database versions not stated): TOPMed 0.00002.
gnomAD v4.1: 1 of 1,612,914 alleles (0.000062%); highest among the groups gnomAD compares: East Asian, 0.0022%; no homozygotes.

Submissions (2):

Counsyl
Classification: Uncertain significance for Xeroderma pigmentosum, group C. Last evaluated: 2017-12-27. Review status: no assertion criteria provided. Collection method: clinical testing. Allele origin: unknown.

ITMI
No classification provided. Condition: AllHighlyPenetrant. Last evaluated: 2013-09-19. Review status: no classification provided. Collection method: reference population. Allele origin: germline. Not counted in ClinVar's aggregate classification.
Comment: Please see associated publication for description of ethnicities

Literature cited by the submitters: PubMed 24728327 (cited by ITMI).

NM_004628.5(XPC):c.52A>C (p.Ser18Arg)

Genes: XPC (XPC complex subunit, DNA damage recognition and repair factor; minus strand), LOC129936244 (ATAC-STARR-seq lymphoblastoid active region 19500; plus strand). Cytogenetic location: 3p25.1.
Variant type: single nucleotide variant.
Coding change: c.52A>C on transcript NM_004628.5 (MANE Select); coding-DNA position 52, A replaced by C.
Protein change: p.Ser18Arg; replaces serine 18 with arginine.
Molecular consequence: missense variant. On other transcripts: 5 prime UTR variant (1), non-coding transcript variant (2).
Genome position (GRCh38, 1-based): chr3:14,178,517, T>G on the plus strand (A>C on the coding strand, the complement: XPC is on the minus strand). VCF-style: chr3-14178517-T-G. GRCh37 (hg19) VCF-style: chr3-14220017-T-G.
Other names: c.-404A>C (NM_001354726.2); c.52A>C, p.Ser18Arg (NM_001354727.2, NM_001354729.2, NM_001354730.2); short protein forms S18R.
Identifiers: ClinVar variation 135464 (VCV000135464.2), dbSNP rs587778757, ClinGen allele CA162850.
Genomic context (GRCh38, chr3:14,178,517, plus strand): 5'-CGCTCTCACCCTCCTCCTCCTCCTCACGCCGGGCCTTGCTCTTGGCCTTGGATTTCTGGC[T>G]GCGCAGTTCGCGTCCCCGCGGCTCCCCGCCGGCCGCGCGTTTCCGAGCCATGTTGCTTGT-3'
Protein context (NP_004619.3, residues 8-28): GGEPRGRELR[Ser18Arg]QKSKAKSKAR